The following is an entry in ClinVar:

NM_004560.4(ROR2):c.139dup (p.Leu47fs)

Gene: ROR2 (receptor tyrosine kinase like orphan receptor 2; minus strand). Cytogenetic location: 9q22.31.
Variant type: Duplication.
Coding change: c.139dup on transcript NM_004560.4 (MANE Select); coding-DNA position 139, one base duplicated (C; older notation c.139dupC).
Protein change: p.Leu47fs; shifts the reading frame from leucine 47.
Molecular consequence: frameshift variant.
Genome position (GRCh38, 1-based): chr9:91,775,777, G duplicated on the plus strand (C on the coding strand, the reverse complement: ROR2 is on the minus strand); the first of 4 consecutive G bases (chr9:91,775,777-91,775,780); duplicating any one gives the same sequence. VCF-style (leftmost placement, unchanged base first): chr9-91775776-A-AG. GRCh37 (hg19) VCF-style: chr9-94538058-A-AG.
Other names: c.139dup, p.Leu47fs (NM_001318204.2); short protein forms L47fs.
Identifiers: ClinVar variation 3001352 (VCV003001352.3), dbSNP rs2490373112, ClinGen allele CA2740095521.

ClinVar aggregate classification (germline): Pathogenic (1 of 4 stars; one submission).

Submission:

Labcorp Genetics (formerly Invitae), Labcorp
Classification: Pathogenic. Last evaluated: 2023-07-12. Review status: criteria provided, single submitter. Criteria: Invitae Variant Classification Sherloc (09022015). Collection method: clinical testing. Allele origin: germline.
Comment: This sequence change creates a premature translational stop signal (p.Leu47Profs*2) in the ROR2 gene. It is expected to result in an absent or disrupted protein product. Loss-of-function variants in ROR2 are known to be pathogenic (PMID: 10932186). This variant is not present in population databases (gnomAD no frequency). This variant has not been reported in the literature in individuals affected with ROR2-related conditions. For these reasons, this variant has been classified as Pathogenic.

Literature cited by the submitters: PubMed 10932186.